The following is an entry in ClinVar:

ClinVar aggregate classification (germline): Benign (1 of 4 stars; one submission).

Conditions:
Familial cancer of breast. Also called: hereditary breast carcinoma; Hereditary breast cancer; BREAST CANCER, FAMILIAL. Identifiers: Orphanet 227535, MedGen C0346153, MONDO:0016419, OMIM 114480. Disease mechanism: loss of function.

Submission:

Myriad Genetics, Inc.
Classification: Benign for Familial cancer of breast. Last evaluated: 2024-07-25. Review status: criteria provided, single submitter. Criteria: Myriad Autosomal Dominant, Autosomal Recessive and X-Linked Classification Criteria (2023). Collection method: clinical testing. Allele origin: unknown.
Comment: This variant is considered benign. This variant is a silent/synonymous amino acid change and it is not expected to impact splicing.

NM_000465.4(BARD1):c.1467C>G (p.Thr489=)

Gene: BARD1 (BRCA1 associated RING domain 1; minus strand). Cytogenetic location: 2q35.
Variant type: single nucleotide variant.
Coding change: c.1467C>G on transcript NM_000465.4 (MANE Select); coding-DNA position 1467, C replaced by G.
Protein change: p.Thr489=; no amino-acid change (threonine 489 retained).
Molecular consequence: synonymous variant. On other transcripts: non-coding transcript variant (3), intron variant (3).
Genome position (GRCh38, 1-based): chr2:214,767,583, G>C on the plus strand (C>G on the coding strand, the complement: BARD1 is on the minus strand). VCF-style: chr2-214767583-G-C. GRCh37 (hg19) VCF-style: chr2-215632307-G-C.
Other names: c.1410C>G, p.Thr470= (NM_001282543.2); c.159-15028C>G (NM_001282548.2); c.216-15028C>G (NM_001282545.2); c.364+24714C>G (NM_001282549.2).
Identifiers: ClinVar variation 3378976 (VCV003378976.1).